The following is an entry in ClinVar:

NM_205861.3(DHDDS):c.884G>A (p.Arg295Gln)

Gene: DHDDS (dehydrodolichyl diphosphate synthase subunit; plus strand). Cytogenetic location: 1p36.11.
Variant type: single nucleotide variant.
Coding change: c.884G>A on transcript NM_205861.3 (MANE Select); coding-DNA position 884, G replaced by A.
Protein change: p.Arg295Gln; replaces arginine 295 with glutamine.
Molecular consequence: missense variant.
Genome position (GRCh38, 1-based): chr1:26,469,013, G>A. VCF-style: chr1-26469013-G-A. GRCh37 (hg19) VCF-style: chr1-26795504-G-A.
Other names: c.782G>A, p.Arg261Gln (NM_001243564.2); c.767G>A, p.Arg256Gln (NM_001243565.2); c.605G>A, p.Arg202Gln (NM_001319959.2); c.887G>A, p.Arg296Gln (NM_024887.4); short protein forms R202Q, R296Q, R256Q, R261Q, R295Q.
Identifiers: ClinVar variation 2074038 (VCV002074038.3), dbSNP rs756507458, ClinGen allele CA705481.

ClinVar aggregate classification (germline): Uncertain significance (1 of 4 stars; one submission).

Conditions:
Retinitis pigmentosa 59 (RP59). Identifiers: Orphanet 791, MedGen C3151227, MONDO:0013468, OMIM 613861.

Allele frequency attached by ClinVar (database versions not stated): gnomAD 0.00003; gnomAD exomes 0.00001; TOPMed 0.00003; ExAC 0.00001.
gnomAD v4.1: 23 of 1,614,008 alleles (0.0014%); highest among the groups gnomAD compares: African/African-American, 0.0093%; no homozygotes.

Submission:

Labcorp Genetics (formerly Invitae), Labcorp
Classification: Uncertain significance for Retinitis pigmentosa 59. Last evaluated: 2024-10-25. Review status: criteria provided, single submitter. Criteria: Invitae Variant Classification Sherloc (09022015). Collection method: clinical testing. Allele origin: germline.
Comment: This sequence change replaces arginine, which is basic and polar, with glutamine, which is neutral and polar, at codon 296 of the DHDDS protein (p.Arg296Gln). This variant is present in population databases (rs756507458, gnomAD 0.007%). This variant has not been reported in the literature in individuals affected with DHDDS-related conditions. ClinVar contains an entry for this variant (Variation ID: 2074038). An algorithm developed to predict the effect of missense changes on protein structure and function (PolyPhen-2) suggests that this variant is likely to be tolerated. In summary, the available evidence is currently insufficient to determine the role of this variant in disease. Therefore, it has been classified as a Variant of Uncertain Significance.